The following is an entry in ClinVar:

ClinVar aggregate classification (germline): Uncertain significance (1 of 4 stars; one submission).

Submission:

Labcorp Genetics (formerly Invitae), Labcorp
Classification: Uncertain significance. Last evaluated: 2022-11-17. Review status: criteria provided, single submitter. Criteria: Invitae Variant Classification Sherloc (09022015). Collection method: clinical testing. Allele origin: germline.
Comment: This variant is not present in population databases (gnomAD no frequency). In summary, the available evidence is currently insufficient to determine the role of this variant in disease. Therefore, it has been classified as a Variant of Uncertain Significance. Algorithms developed to predict the effect of sequence changes on RNA splicing suggest that this variant may disrupt the consensus splice site. This variant has not been reported in the literature in individuals affected with ADGRA3-related conditions. This sequence change affects codon 210 of the ADGRA3 mRNA. It is a 'silent' change, meaning that it does not change the encoded amino acid sequence of the ADGRA3 protein.

NM_145290.4(ADGRA3):c.628C>A (p.Arg210=)

Gene: ADGRA3 (adhesion G protein-coupled receptor A3; minus strand). Cytogenetic location: 4p15.2.
Variant type: single nucleotide variant.
Coding change: c.628C>A on transcript NM_145290.4 (MANE Select); coding-DNA position 628, C replaced by A.
Protein change: p.Arg210=; no amino-acid change (arginine 210 retained).
Molecular consequence: synonymous variant.
Genome position (GRCh38, 1-based): chr4:22,445,051, G>T on the plus strand (C>A on the coding strand, the complement: ADGRA3 is on the minus strand). VCF-style: chr4-22445051-G-T. GRCh37 (hg19) VCF-style: chr4-22446674-G-T.
Identifiers: ClinVar variation 2813421 (VCV002813421.3), dbSNP rs575529822, ClinGen allele CA438719286.